The following is an entry in ClinVar:

NM_006269.2(RP1):c.3788C>T (p.Thr1263Ile)

Gene: RP1 (RP1 axonemal microtubule associated; plus strand). Cytogenetic location: 8q12.1.
Variant type: single nucleotide variant.
Coding change: c.3788C>T on transcript NM_006269.2 (MANE Select); coding-DNA position 3788, C replaced by T.
Protein change: p.Thr1263Ile; replaces threonine 1263 with isoleucine.
Molecular consequence: missense variant. On other transcripts: intron variant (1).
Genome position (GRCh38, 1-based): chr8:54,627,670, C>T. VCF-style: chr8-54627670-C-T. GRCh37 (hg19) VCF-style: chr8-55540230-C-T.
Other names: c.787+5382C>T (NM_001375654.1); c.3788C>T (NM_006269.1); short protein forms T1263I.
Identifiers: ClinVar variation 2093118 (VCV002093118.6), dbSNP rs781628699, ClinGen allele CA4751748.

ClinVar aggregate classification (germline): Uncertain significance. Review status: criteria provided, multiple submitters, no conflicts (2 of 4 stars). 2 submissions from 2 submitters: Uncertain significance (2). Last evaluated 2023-11-03.

Conditions:
Inborn genetic diseases. Identifiers: MedGen C0950123, MeSH D030342.

Allele frequency attached by ClinVar (database versions not stated): ExAC 0.00001; TOPMed 0.00002; gnomAD 0.00003; gnomAD exomes 0.00004.
gnomAD v4.1: 63 of 1,614,086 alleles (0.0039%); highest among the groups gnomAD compares: Non-Finnish European, 0.0053%; no homozygotes.

Submissions (2):

Labcorp Genetics (formerly Invitae), Labcorp
Classification: Uncertain significance. Last evaluated: 2023-11-03. Review status: criteria provided, single submitter. Criteria: Invitae Variant Classification Sherloc (09022015). Collection method: clinical testing. Allele origin: germline.
Comment: This sequence change replaces threonine, which is neutral and polar, with isoleucine, which is neutral and non-polar, at codon 1263 of the RP1 protein (p.Thr1263Ile). This variant is present in population databases (rs781628699, gnomAD 0.0009%). This variant has not been reported in the literature in individuals affected with RP1-related conditions. ClinVar contains an entry for this variant (Variation ID: 2093118). Algorithms developed to predict the effect of missense changes on protein structure and function output the following: SIFT: "Not Available"; PolyPhen-2: "Benign"; Align-GVGD: "Not Available". The isoleucine amino acid residue is found in multiple mammalian species, which suggests that this missense change does not adversely affect protein function. In summary, the available evidence is currently insufficient to determine the role of this variant in disease. Therefore, it has been classified as a Variant of Uncertain Significance.

Ambry Genetics
Classification: Uncertain significance for Inborn genetic diseases. Last evaluated: 2023-04-19. Review status: criteria provided, single submitter. Criteria: Ambry Variant Classification Scheme 2023. Collection method: clinical testing. Allele origin: germline.